The following is an entry in ClinVar:

ClinVar aggregate classification (germline): Uncertain significance. Review status: criteria provided, single submitter (1 of 4 stars). 3 submissions from 3 submitters: Uncertain significance (1). 2 of the submissions do not count toward it. Last evaluated 2023-10-03.

Conditions:
Emery-Dreifuss muscular dystrophy 4, autosomal dominant (EDMD4). Also called: EMERY-DREIFUSS MUSCULAR DYSTROPHY 4 WITH VARIABLE FEATURES. Identifiers: Orphanet 261, MedGen C2751807, MONDO:0013071, OMIM 612998.
Autosomal recessive ataxia, Beauce type. Also called: Spinocerebellar ataxia, autosomal recessive 8; ATAXIA, RECESSIVE, OF BEAUCE; SYNE1-Related Autosomal Recessive Cerebellar Ataxia; SYNE1 Deficiency. Identifiers: Orphanet 88644, MedGen C1853116, MONDO:0012549, OMIM 610743.

gnomAD v4.1: 1 of 1,613,852 alleles (0.000062%); highest among the groups gnomAD compares: Non-Finnish European, 0.000085%; no homozygotes.

Submissions (3):

Labcorp Genetics (formerly Invitae), Labcorp
Classification: Uncertain significance for Emery-Dreifuss muscular dystrophy 4, autosomal dominant; Autosomal recessive ataxia, Beauce type. Last evaluated: 2023-10-03. Review status: criteria provided, single submitter. Criteria: Invitae Variant Classification Sherloc (09022015). Collection method: clinical testing. Allele origin: germline.
Comment: This sequence change replaces tryptophan, which is neutral and slightly polar, with cysteine, which is neutral and slightly polar, at codon 194 of the SYNE1 protein (p.Trp194Cys). This variant is not present in population databases (gnomAD no frequency). This variant has not been reported in the literature in individuals affected with SYNE1-related conditions. ClinVar contains an entry for this variant (Variation ID: 934481). An algorithm developed to predict the effect of missense changes on protein structure and function (PolyPhen-2) suggests that this variant is likely to be disruptive. In summary, the available evidence is currently insufficient to determine the role of this variant in disease. Therefore, it has been classified as a Variant of Uncertain Significance.

Clinical Genetics DNA and cytogenetics Diagnostics Lab, Erasmus MC, Erasmus Medical Center
Classification: Uncertain significance. Review status: no assertion criteria provided. Collection method: clinical testing. Allele origin: germline. Affected: yes. Study: VKGL Data-share Consensus. Not counted in ClinVar's aggregate classification.

Diagnostic Laboratory, Department of Genetics, University Medical Center Groningen
Classification: Uncertain significance. Review status: no assertion criteria provided. Collection method: clinical testing. Allele origin: germline. Affected: yes. Study: VKGL Data-share Consensus. Not counted in ClinVar's aggregate classification.

NM_182961.4(SYNE1):c.561G>T (p.Trp187Cys)

Gene: SYNE1 (spectrin repeat containing nuclear envelope protein 1; minus strand). Cytogenetic location: 6q25.2.
Variant type: single nucleotide variant.
Coding change: c.561G>T on transcript NM_182961.4 (MANE Select); coding-DNA position 561, G replaced by T.
Protein change: p.Trp187Cys; replaces tryptophan 187 with cysteine.
Molecular consequence: missense variant.
Genome position (GRCh38, 1-based): chr6:152,510,213, C>A on the plus strand (G>T on the coding strand, the complement: SYNE1 is on the minus strand). VCF-style: chr6-152510213-C-A. GRCh37 (hg19) VCF-style: chr6-152831348-C-A.
Other names: c.582G>T, p.Trp194Cys (NM_033071.5); short protein forms W194C, W187C.
Identifiers: ClinVar variation 934481 (VCV000934481.10), dbSNP rs376693048, ClinGen allele CA150242931.